The following is an entry in ClinVar:

NM_006939.4(SOS2):c.1273A>G (p.Lys425Glu)

Gene: SOS2 (SOS Ras/Rho guanine nucleotide exchange factor 2; minus strand). Cytogenetic location: 14q21.3.
Variant type: single nucleotide variant.
Coding change: c.1273A>G on transcript NM_006939.4 (MANE Select); coding-DNA position 1273, A replaced by G.
Protein change: p.Lys425Glu; replaces lysine 425 with glutamic acid.
Molecular consequence: missense variant.
Genome position (GRCh38, 1-based): chr14:50,160,010, T>C on the plus strand (A>G on the coding strand, the complement: SOS2 is on the minus strand). VCF-style: chr14-50160010-T-C. GRCh37 (hg19) VCF-style: chr14-50626728-T-C.
Other names: short protein forms K425E.
Identifiers: ClinVar variation 280746 (VCV000280746.9), dbSNP rs372203654, ClinGen allele CA10603206.
Genomic context (GRCh38, chr14:50,160,010, plus strand): 5'-CCATAATGAATTCATTACAACACTGTCCAATATCTTTGCCTTCCCATCCATCGATATTTT[T>C]CTGAATTTCATTCATTTTTTTGATAGCCAGGTGTTTGCTTCTTAATTGGTGACTATAAAA-3'
Protein context (NP_008870.2, residues 415-435): LAIKKMNEIQ[Lys425Glu]NIDGWEGKDI

ClinVar aggregate classification (germline): Uncertain significance. Review status: criteria provided, multiple submitters, no conflicts (2 of 4 stars). 4 submissions from 4 submitters: Uncertain significance (4). Last evaluated 2026-01-05.

Conditions:
Cardiovascular phenotype. Identifiers: MedGen CN230736.
Noonan syndrome 9 (NS9). Identifiers: Orphanet 648, MedGen C4225282, MONDO:0014691, OMIM 616559.

Allele frequency attached by ClinVar (database versions not stated): TOPMed below 0.00001; gnomAD 0.00001; ESP Exome Variant Server 0.00008.
gnomAD v4.1: 1 of 1,614,000 alleles (0.000062%); highest among the groups gnomAD compares: Non-Finnish European, 0.000085%; no homozygotes.

Submissions (4):

Labcorp Genetics (formerly Invitae), Labcorp
Classification: Uncertain significance for Noonan syndrome 9. Last evaluated: 2026-01-05. Review status: criteria provided, single submitter. Criteria: Invitae Variant Classification Sherloc (09022015). Collection method: clinical testing. Allele origin: germline.
Comment: This sequence change replaces lysine, which is basic and polar, with glutamic acid, which is acidic and polar, at codon 425 of the SOS2 protein (p.Lys425Glu). This variant is not present in population databases (gnomAD no frequency). This variant has not been reported in the literature in individuals affected with SOS2-related conditions. ClinVar contains an entry for this variant (Variation ID: 280746). Invitae Evidence Modeling of protein sequence and biophysical properties (such as structural, functional, and spatial information, amino acid conservation, physicochemical variation, residue mobility, and thermodynamic stability) indicates that this missense variant is not expected to disrupt SOS2 protein function with a negative predictive value of 95%. In summary, the available evidence is currently insufficient to determine the role of this variant in disease. Therefore, it has been classified as a Variant of Uncertain Significance.

Ambry Genetics
Classification: Uncertain significance for Cardiovascular phenotype. Last evaluated: 2024-10-25. Review status: criteria provided, single submitter. Criteria: Ambry Variant Classification Scheme 2023. Collection method: clinical testing. Allele origin: germline.
Comment: The p.K425E variant (also known as c.1273A>G), located in coding exon 10 of the SOS2 gene, results from an A to G substitution at nucleotide position 1273. The lysine at codon 425 is replaced by glutamic acid, an amino acid with similar properties. This amino acid position is conserved. In addition, this alteration is predicted to be deleterious by in silico analysis. Based on the available evidence, the clinical significance of this variant remains unclear.

GeneDx
Classification: Uncertain significance. Last evaluated: 2016-07-29. Review status: criteria provided, single submitter. Criteria: GeneDx Variant Classification (06012015). Collection method: clinical testing. Allele origin: germline. Affected: yes.
Comment: The K425Evariant in the SOS2 gene has not been reported previously as a pathogenic variant, nor as a benign variant, to our knowledge. The K425E variant was not observed at any significant frequency in approximately 6,500 individuals of European and African American ancestry in the NHLBI Exome Sequencing Project, indicating it is not a common benign variant in these populations. The K425E variant is a non-conservative amino acid substitution, which is likely to impact secondary protein structure as these residues differ in polarity, charge, size and/or other properties. This substitution occurs at a position that is conserved across species. In silico analysis is inconsistent in its predictions as to whether or not the variant is damaging to the protein structure/function. We interpret K425E as a variant of uncertain significance.

Genome-Nilou Lab
Classification: Uncertain significance for Noonan syndrome 9. Review status: criteria provided, single submitter. Criteria: ACMG Guidelines, 2015. Collection method: clinical testing. Allele origin: germline.